The following is an entry in ClinVar:

NM_001330588.2(TPP2):c.3331A>G (p.Met1111Val)

Gene: TPP2 (tripeptidyl peptidase 2; plus strand). Cytogenetic location: 13q33.1.
Variant type: single nucleotide variant.
Coding change: c.3331A>G on transcript NM_001330588.2 (MANE Select); coding-DNA position 3331, A replaced by G.
Protein change: p.Met1111Val; replaces methionine 1111 with valine.
Molecular consequence: missense variant. On other transcripts: non-coding transcript variant (1).
Genome position (GRCh38, 1-based): chr13:102,664,885, A>G. VCF-style: chr13-102664885-A-G. GRCh37 (hg19) VCF-style: chr13-103317235-A-G.
Other names: c.3331A>G, p.Met1111Val (LRG_1341t1); c.3292A>G, p.Met1098Val (NM_001367947.1, NM_003291.4); short protein forms M1111V, M1098V.
Identifiers: ClinVar variation 656175 (VCV000656175.4), dbSNP rs754206222, ClinGen allele CA7038253.

ClinVar aggregate classification (germline): Uncertain significance. Review status: criteria provided, multiple submitters, no conflicts (2 of 4 stars). 2 submissions from 2 submitters: Uncertain significance (2). Last evaluated 2022-07-05.

Conditions:
Evans syndrome, immunodeficiency, and premature immunosenescence associated with tripeptidyl-peptidase II deficiency. Identifiers: MedGen CN231723. Disease mechanism: loss of function.
Inborn genetic diseases. Identifiers: MedGen C0950123, MeSH D030342.

Allele frequency attached by ClinVar (database versions not stated): TOPMed below 0.00001; gnomAD 0.00001; ExAC 0.00002; gnomAD exomes 0.00002.

Submissions (2):

Labcorp Genetics (formerly Invitae), Labcorp
Classification: Uncertain significance for Evans syndrome, immunodeficiency, and premature immunosenescence associated with tripeptidyl-peptidase II deficiency. Last evaluated: 2022-07-05. Review status: criteria provided, single submitter. Criteria: Invitae Variant Classification Sherloc (09022015). Collection method: clinical testing. Allele origin: germline.
Comment: This sequence change replaces methionine, which is neutral and non-polar, with valine, which is neutral and non-polar, at codon 1098 of the TPP2 protein (p.Met1098Val). This variant is present in population databases (rs754206222, gnomAD 0.02%). This variant has not been reported in the literature in individuals affected with TPP2-related conditions. ClinVar contains an entry for this variant (Variation ID: 656175). Algorithms developed to predict the effect of missense changes on protein structure and function (SIFT, PolyPhen-2, Align-GVGD) all suggest that this variant is likely to be tolerated. Algorithms developed to predict the effect of sequence changes on RNA splicing suggest that this variant may create or strengthen a splice site. In summary, the available evidence is currently insufficient to determine the role of this variant in disease. Therefore, it has been classified as a Variant of Uncertain Significance.

Ambry Genetics
Classification: Uncertain significance for Inborn genetic diseases. Last evaluated: 2022-01-26. Review status: criteria provided, single submitter. Criteria: Ambry Variant Classification Scheme 2023. Collection method: clinical testing. Allele origin: germline.